The following is an entry in ClinVar:

NM_198525.3(KIF7):c.1640dup (p.Arg549fs)

Gene: KIF7 (kinesin family member 7; minus strand). Cytogenetic location: 15q26.1.
Variant type: Duplication.
Coding change: c.1640dup on transcript NM_198525.3 (MANE Select); coding-DNA position 1640, one base duplicated (G; older notation c.1640dupG).
Protein change: p.Arg549fs; shifts the reading frame from arginine 549.
Molecular consequence: frameshift variant.
Genome position (GRCh38, 1-based): chr15:89,646,978, C duplicated on the plus strand (G on the coding strand, the reverse complement: KIF7 is on the minus strand); the first of 7 consecutive C bases (chr15:89,646,978-89,646,984); duplicating any one gives the same sequence. VCF-style (leftmost placement, unchanged base first): chr15-89646977-G-GC. GRCh37 (hg19) VCF-style: chr15-90190208-G-GC.
Other names: short protein forms R549fs.
Identifiers: ClinVar variation 2628789 (VCV002628789.3), dbSNP rs770571299, ClinGen allele CA7728499.

ClinVar aggregate classification (germline): Pathogenic/Likely pathogenic. Review status: criteria provided, multiple submitters, no conflicts (2 of 4 stars). 3 submissions from 3 submitters: Pathogenic (2); Likely pathogenic (1). Last evaluated 2025-02-06.

Conditions:
KIF7-related disorder. Also called: KIF7-related condition.
Acrocallosal syndrome (ACLS). Also called: Schinzel syndrome 1; Absence of corpus callosum with unusual facial appearance, mental deficiency, duplication of the halluces and polydactyly; HALLUX DUPLICATION, POSTAXIAL POLYDACTYLY, AND ABSENCE OF CORPUS CALLOSUM. Identifiers: Orphanet 36, MedGen C0796147, MONDO:0008708, OMIM 200990.

Submissions (3):

Labcorp Genetics (formerly Invitae), Labcorp
Classification: Pathogenic for Acrocallosal syndrome. Last evaluated: 2025-02-06. Review status: criteria provided, single submitter. Criteria: Invitae Variant Classification Sherloc (09022015). Collection method: clinical testing. Allele origin: germline.
Comment: This sequence change creates a premature translational stop signal (p.Arg549Alafs*40) in the KIF7 gene. It is expected to result in an absent or disrupted protein product. Loss-of-function variants in KIF7 are known to be pathogenic (PMID: 19666503, 21552264, 21633164, 26648833). The frequency data for this variant in the population databases is considered unreliable, as metrics indicate poor data quality at this position in the gnomAD database. This premature translational stop signal has been observed in individual(s) with KIF7-related conditions (PMID: 29321670). ClinVar contains an entry for this variant (Variation ID: 2628789). Algorithms developed to predict the effect of sequence changes on RNA splicing suggest that this variant may disrupt the consensus splice site. For these reasons, this variant has been classified as Pathogenic.

Blueprint Genetics
Classification: Likely pathogenic for KIF7-related disorders. Last evaluated: 2024-04-09. Review status: criteria provided, single submitter. Criteria: ACMG Guidelines, 2015. Collection method: clinical testing. Allele origin: germline. Affected: yes. Observed: 2 variant alleles.

PreventionGenetics, part of Exact Sciences
Classification: Pathogenic for KIF7-related condition. Last evaluated: 2023-08-04. Review status: criteria provided, single submitter. Criteria: ACMG Guidelines, 2015. Collection method: clinical testing. Allele origin: germline.
Comment: The KIF7 c.1640dupG variant is predicted to result in a frameshift and premature protein termination (p.Arg549Alafs*40). To our knowledge, this variant has not been reported in the literature. This variant is reported in 0.0029% of alleles in individuals of Latino descent in gnomAD. An adjacent frameshift predicted to result in the same amino acid change has been reported in the homozygous state in a patient with a KIF7-related disorder (NM_198525:c.1643dup, p.Arg549Alafs*40; Asadollahi et al. 2018. PubMed ID: 29321670). Frameshift variants in KIF7 are expected to be pathogenic. This variant is interpreted as pathogenic.

Literature cited by the submitters: PubMed 19666503 (cited by Labcorp Genetics (formerly Invitae), Labcorp); PubMed 21552264 (cited by Labcorp Genetics (formerly Invitae), Labcorp); PubMed 21633164 (cited by Labcorp Genetics (formerly Invitae), Labcorp); PubMed 26648833 (cited by Labcorp Genetics (formerly Invitae), Labcorp); PubMed 29321670 (cited by Labcorp Genetics (formerly Invitae), Labcorp).